The following is an entry in ClinVar:

NM_001134407.3(GRIN2A):c.1296C>T (p.Asn432=)

Gene: GRIN2A (glutamate ionotropic receptor NMDA type subunit 2A; minus strand). Cytogenetic location: 16p13.2.
Variant type: single nucleotide variant.
Coding change: c.1296C>T on transcript NM_001134407.3 (MANE Select); coding-DNA position 1296, C replaced by T.
Protein change: p.Asn432=; no amino-acid change (asparagine 432 retained).
Molecular consequence: synonymous variant.
Genome position (GRCh38, 1-based): chr16:9,849,788, G>A on the plus strand (C>T on the coding strand, the complement: GRIN2A is on the minus strand). VCF-style: chr16-9849788-G-A. GRCh37 (hg19) VCF-style: chr16-9943645-G-A.
Other names: c.1296C>T, p.Asn432= (NM_000833.5, NM_001134408.2).
Identifiers: ClinVar variation 1879331 (VCV001879331.35), dbSNP rs745619198, ClinGen allele CA7896762.
Genomic context (GRCh38, chr16:9,849,788, plus strand): 5'-TTCAGGTGACAGCATTCCTGCCACTCACTTGATTTTGACGAACTTCCGACATGGCACGGT[G>A]TTCCTCACACACGTCTCGGTCAGGGGGTCTATGTCTTCCACGATGACGAATGGGGCCTCC-3'
Protein context (NP_001127879.1, residues 422-442): IDPLTETCVR[Asn432=]TVPCRKFVKI

ClinVar aggregate classification (germline): Likely benign. Review status: criteria provided, multiple submitters, no conflicts (2 of 4 stars). 3 submissions from 3 submitters: Likely benign (3). Last evaluated 2026-03-09.

Conditions:
Landau-Kleffner syndrome (FESD). Also called: EPILEPSY, FOCAL, WITH SPEECH DISORDER AND WITH OR WITHOUT MENTAL RETARDATION; APHASIA, ACQUIRED, WITH EPILEPSY. Identifiers: Orphanet 1945, Orphanet 725, Orphanet 98818, MedGen C0282512, MONDO:0009509, OMIM 245570.

Allele frequency attached by ClinVar (database versions not stated): gnomAD exomes below 0.00001; ExAC 0.00002.
gnomAD v4.1: 6 of 1,614,086 alleles (0.00037%); highest among the groups gnomAD compares: Admixed American, 0.01%; no homozygotes.

Submissions (3):

Women's Health and Genetics/Laboratory Corporation of America, LabCorp
Classification: Likely benign. Last evaluated: 2026-03-09. Review status: criteria provided, single submitter. Criteria: LabCorp Variant Classification Summary - May 2015. Collection method: clinical testing. Allele origin: germline.

Labcorp Genetics (formerly Invitae), Labcorp
Classification: Likely benign for Landau-Kleffner syndrome. Last evaluated: 2024-12-06. Review status: criteria provided, single submitter. Criteria: Invitae Variant Classification Sherloc (09022015). Collection method: clinical testing. Allele origin: germline.

CeGaT Center for Human Genetics Tuebingen
Classification: Likely benign. Last evaluated: 2022-12-01. Review status: criteria provided, single submitter. Criteria: CeGaT Center For Human Genetics Tuebingen Variant Classification Criteria Version 2. Collection method: clinical testing. Allele origin: germline. Affected: yes. Observed: 1 variant allele.
Comment: GRIN2A: BP4, BS2